The following is an entry in ClinVar:

ClinVar aggregate classification (germline): Likely benign. Review status: criteria provided, multiple submitters, no conflicts (2 of 4 stars). 2 submissions from 2 submitters: Likely benign (2). Last evaluated 2024-10-28.

Conditions:
Marfan syndrome (MFS). Also called: MARFAN SYNDROME, TYPE I; Marfan syndrome type 1; Marfan's syndrome; Marfan syndrome, classic; FBN1-Related Marfan Syndrome. Identifiers: Orphanet 284963, Orphanet 558, MedGen C0024796, MONDO:0007947, OMIM 154700.
Familial thoracic aortic aneurysm and aortic dissection (TAAD). Also called: Thoracic aortic aneurysms and dissections. Identifiers: Orphanet 91387, MedGen C4707243, MONDO:0019625.

Submissions (2):

Ambry Genetics
Classification: Likely benign for Familial thoracic aortic aneurysm and aortic dissection. Last evaluated: 2024-10-28. Review status: criteria provided, single submitter. Criteria: Ambry Variant Classification Scheme 2023. Collection method: clinical testing. Allele origin: germline.

All of Us Research Program, National Institutes of Health
Classification: Likely benign for Marfan syndrome. Last evaluated: 2023-11-20. Review status: criteria provided, single submitter. Criteria: ACMG Guidelines, 2015. Collection method: clinical testing. Allele origin: germline. Inheritance: Autosomal dominant inheritance. Observed: 1 variant allele, 1 heterozygote.
Comment: This study involves interpretation of variants in research participants for the purpose of population health screening. Participant phenotype was not available at the time of variant classification. Additional details can be found in publication PMID: 35346344, PMCID: PMC8962531

NM_000138.5(FBN1):c.3735T>C (p.Asn1245=)

Gene: FBN1 (fibrillin 1; minus strand). Cytogenetic location: 15q21.1.
Variant type: single nucleotide variant.
Coding change: c.3735T>C on transcript NM_000138.5 (MANE Select); coding-DNA position 3735, T replaced by C.
Protein change: p.Asn1245=; no amino-acid change (asparagine 1245 retained).
Molecular consequence: synonymous variant.
Genome position (GRCh38, 1-based): chr15:48,483,921, A>G on the plus strand (T>C on the coding strand, the complement: FBN1 is on the minus strand). VCF-style: chr15-48483921-A-G. GRCh37 (hg19) VCF-style: chr15-48776118-A-G.
Other names: c.3735T>C, p.Asn1245= (NM_001406716.1).
Identifiers: ClinVar variation 3074702 (VCV003074702.2), dbSNP rs2505541144, ClinGen allele CA490017200.
Genomic context (GRCh38, chr15:48,483,921, plus strand): 5'-ACACAAGCACCTGTACTCTCCAGGGATATTTGTGCACTGACCACCATCACAGATATTGGG[A>G]TTATCTTCACACTCATCGATGTCTGCAAAGAATAAAACCAACAACCACAGGTTGTTGATA-3'
Protein context (NP_000129.3, residues 1235-1255): SCTDIDECED[Asn1245=]PNICDGGQCT